The following is an entry in ClinVar:

NM_001851.6(COL9A1):c.2034+1G>C

Gene: COL9A1 (collagen type IX alpha 1 chain; minus strand). Cytogenetic location: 6q13.
Variant type: single nucleotide variant.
Coding change: c.2034+1G>C on transcript NM_001851.6 (MANE Select); the canonical splice donor site of the intron after coding-DNA position 2034, G replaced by C.
Molecular consequence: splice donor variant.
Genome position (GRCh38, 1-based): chr6:70,241,418, C>G on the plus strand (G>C on the coding strand, the complement: COL9A1 is on the minus strand). VCF-style: chr6-70241418-C-G. GRCh37 (hg19) VCF-style: chr6-70951121-C-G.
Other names: c.1305+1G>C (NM_001377290.1, NM_078485.4); c.1335+1G>C (NM_001377289.1).
Identifiers: ClinVar variation 1996696 (VCV001996696.4), dbSNP rs2483237716, ClinGen allele CA364675058.

ClinVar aggregate classification (germline): Likely pathogenic (1 of 4 stars; one submission).

Allele frequency attached by ClinVar (database versions not stated): gnomAD exomes below 0.00001.
gnomAD v4.1: 7 of 1,609,352 alleles (0.00043%); highest among the groups gnomAD compares: Non-Finnish European, 0.00043%; no homozygotes.

Submission:

Labcorp Genetics (formerly Invitae), Labcorp
Classification: Likely pathogenic. Last evaluated: 2022-09-06. Review status: criteria provided, single submitter. Criteria: Invitae Variant Classification Sherloc (09022015). Collection method: clinical testing. Allele origin: germline.
Comment: In summary, the currently available evidence indicates that the variant is pathogenic, but additional data are needed to prove that conclusively. Therefore, this variant has been classified as Likely Pathogenic. Algorithms developed to predict the effect of sequence changes on RNA splicing suggest that this variant may disrupt the consensus splice site. This variant has not been reported in the literature in individuals affected with COL9A1-related conditions. This variant is not present in population databases (gnomAD no frequency). This sequence change affects a donor splice site in intron 31 of the COL9A1 gene. It is expected to disrupt RNA splicing. Variants that disrupt the donor or acceptor splice site typically lead to a loss of protein function (PMID: 16199547), and loss-of-function variants in COL9A1 are known to be pathogenic (PMID: 16909383, 21421862).

Literature cited by the submitters: PubMed 16199547; PubMed 16909383; PubMed 21421862.